The following is an entry in ClinVar:

ClinVar aggregate classification (germline): Uncertain significance (1 of 4 stars; one submission).

Allele frequency attached by ClinVar (database versions not stated): gnomAD exomes below 0.00001; TOPMed below 0.00001.
gnomAD v4.1: 1 of 1,609,486 alleles (0.000062%); highest among the groups gnomAD compares: Non-Finnish European, 0.000085%; no homozygotes.

Submission:

Labcorp Genetics (formerly Invitae), Labcorp
Classification: Uncertain significance. Last evaluated: 2023-06-14. Review status: criteria provided, single submitter. Criteria: Invitae Variant Classification Sherloc (09022015). Collection method: clinical testing. Allele origin: germline.
Comment: In summary, the available evidence is currently insufficient to determine the role of this variant in disease. Therefore, it has been classified as a Variant of Uncertain Significance. Advanced modeling of protein sequence and biophysical properties (such as structural, functional, and spatial information, amino acid conservation, physicochemical variation, residue mobility, and thermodynamic stability) performed at Invitae indicates that this missense variant is not expected to disrupt ITPR1 protein function. This variant has not been reported in the literature in individuals affected with ITPR1-related conditions. This variant is not present in population databases (gnomAD no frequency). This sequence change replaces asparagine, which is neutral and polar, with aspartic acid, which is acidic and polar, at codon 381 of the ITPR1 protein (p.Asn381Asp).

NM_001378452.1(ITPR1):c.1186A>G (p.Asn396Asp)

Gene: ITPR1 (inositol 1,4,5-trisphosphate receptor type 1; plus strand). Cytogenetic location: 3p26.1.
Variant type: single nucleotide variant.
Coding change: c.1186A>G on transcript NM_001378452.1 (MANE Select); coding-DNA position 1186, A replaced by G.
Protein change: p.Asn396Asp; replaces asparagine 396 with aspartic acid.
Molecular consequence: missense variant.
Genome position (GRCh38, 1-based): chr3:4,661,022, A>G. VCF-style: chr3-4661022-A-G. GRCh37 (hg19) VCF-style: chr3-4702706-A-G.
Other names: c.1186A>G, p.Asn396Asp (NM_001099952.4); c.1141A>G, p.Asn381Asp (NM_001168272.2, NM_002222.7); short protein forms N381D, N396D.
Identifiers: ClinVar variation 2715344 (VCV002715344.3), dbSNP rs2093821031, ClinGen allele CA351640248.